The following is an entry in ClinVar:

ClinVar aggregate classification (germline): Uncertain significance (1 of 4 stars; one submission).

Submission:

GeneDx
Classification: Uncertain significance. Last evaluated: 2025-03-21. Review status: criteria provided, single submitter. Criteria: GeneDx Variant Classification Process June 2021. Collection method: clinical testing. Allele origin: germline. Affected: yes.
Comment: Not observed at significant frequency in large population cohorts (gnomAD); In silico analysis supports that this missense variant has a deleterious effect on protein structure/function; Has not been previously published as pathogenic or benign to our knowledge; Variants in candidate genes are classified as variants of uncertain significance in accordance with ACMG guidelines (PMID: 25741868)

NM_001195605.2(ZNF865):c.1037G>A (p.Gly346Asp)

Gene: ZNF865 (zinc finger protein 865; plus strand). Cytogenetic location: 19q13.42.
Variant type: single nucleotide variant.
Coding change: c.1037G>A on transcript NM_001195605.2 (MANE Select); coding-DNA position 1037, G replaced by A.
Protein change: p.Gly346Asp; replaces glycine 346 with aspartic acid.
Molecular consequence: missense variant.
Genome position (GRCh38, 1-based): chr19:55,614,655, G>A. VCF-style: chr19-55614655-G-A. GRCh37 (hg19) VCF-style: chr19-56126021-G-A.
Other names: short protein forms G346D.
Identifiers: ClinVar variation 4282481 (VCV004282481.1).